The following is an entry in ClinVar:

ClinVar aggregate classification (germline): Uncertain significance. Review status: criteria provided, multiple submitters, no conflicts (2 of 4 stars). 2 submissions from 2 submitters: Uncertain significance (2). Last evaluated 2023-12-08.

Conditions:
Episodic ataxia type 2 (EA2). Also called: ATAXIA, EPISODIC, WITH NYSTAGMUS; ATAXIA, FAMILIAL PAROXYSMAL; CEREBELLAR ATAXIA, PAROXYSMAL, ACETAZOLAMIDE-RESPONSIVE; CEREBELLOPATHY, HEREDITARY PAROXYSMAL; EPISODIC ATAXIA, NYSTAGMUS-ASSOCIATED; ACETAZOLAMIDE-RESPONSIVE HEREDITARY PAROXYSMAL CEREBELLAR ATAXIA. Identifiers: Orphanet 97, MedGen C1720416, MONDO:0007163, OMIM 108500.
Developmental and epileptic encephalopathy, 42 (DEE42A). Also called: Epileptic encephalopathy, early infantile, 42; DEVELOPMENTAL AND EPILEPTIC ENCEPHALOPATHY 42A; EPILEPTIC ENCEPHALOPATHY, EARLY INFANTILE, 42A. Identifiers: MedGen C4310716, MONDO:0014917, OMIM 617106.

Allele frequency attached by ClinVar (database versions not stated): gnomAD exomes 0.00002.
gnomAD v4.1: 28 of 1,595,518 alleles (0.0018%); highest among the groups gnomAD compares: Non-Finnish European, 0.0024%; no homozygotes.

Submissions (2):

Labcorp Genetics (formerly Invitae), Labcorp
Classification: Uncertain significance for Developmental and epileptic encephalopathy, 42; Episodic ataxia type 2. Last evaluated: 2023-12-08. Review status: criteria provided, single submitter. Criteria: Invitae Variant Classification Sherloc (09022015). Collection method: clinical testing. Allele origin: germline.
Comment: This sequence change replaces glycine, which is neutral and non-polar, with aspartic acid, which is acidic and polar, at codon 1035 of the CACNA1A protein (p.Gly1035Asp). This variant is not present in population databases (gnomAD no frequency). This variant has not been reported in the literature in individuals affected with CACNA1A-related conditions. ClinVar contains an entry for this variant (Variation ID: 1313920). Advanced modeling of protein sequence and biophysical properties (such as structural, functional, and spatial information, amino acid conservation, physicochemical variation, residue mobility, and thermodynamic stability) performed at Invitae indicates that this missense variant is not expected to disrupt CACNA1A protein function with a negative predictive value of 95%. In summary, the available evidence is currently insufficient to determine the role of this variant in disease. Therefore, it has been classified as a Variant of Uncertain Significance.

GeneDx
Classification: Uncertain significance. Last evaluated: 2022-07-01. Review status: criteria provided, single submitter. Criteria: GeneDx Variant Classification Process June 2021. Collection method: clinical testing. Allele origin: germline. Affected: yes.
Comment: Not observed at significant frequency in large population cohorts (gnomAD); In silico analysis supports that this missense variant has a deleterious effect on protein structure/function; Has not been previously published as pathogenic or benign to our knowledge

NM_001127222.2(CACNA1A):c.3101G>A (p.Gly1034Asp)

Gene: CACNA1A (calcium voltage-gated channel subunit alpha1 A; minus strand). Cytogenetic location: 19p13.13.
Variant type: single nucleotide variant.
Coding change: c.3101G>A on transcript NM_001127222.2 (MANE Select); coding-DNA position 3101, G replaced by A.
Protein change: p.Gly1034Asp; replaces glycine 1034 with aspartic acid.
Molecular consequence: missense variant.
Genome position (GRCh38, 1-based): chr19:13,286,955, C>T on the plus strand (G>A on the coding strand, the complement: CACNA1A is on the minus strand). VCF-style: chr19-13286955-C-T. GRCh37 (hg19) VCF-style: chr19-13397769-C-T.
Other names: c.3113G>A, p.Gly1038Asp (NM_000068.4, NM_023035.3); c.3104G>A, p.Gly1035Asp (NM_001127221.2, NM_001174080.2); short protein forms G1034D, G1035D, G1038D.
Identifiers: ClinVar variation 1313920 (VCV001313920.6), dbSNP rs2144889565, ClinGen allele CA404342053.